The following is an entry in ClinVar:

NM_001020658.2(PUM1):c.2269C>T (p.Gln757Ter)

Gene: PUM1 (pumilio RNA binding family member 1; minus strand). Cytogenetic location: 1p35.2.
Variant type: single nucleotide variant.
Coding change: c.2269C>T on transcript NM_001020658.2 (MANE Select); coding-DNA position 2269, C replaced by T.
Protein change: p.Gln757Ter; replaces glutamine 757 with a stop codon.
Molecular consequence: nonsense.
Genome position (GRCh38, 1-based): chr1:30,964,728, G>A on the plus strand (C>T on the coding strand, the complement: PUM1 is on the minus strand). VCF-style: chr1-30964728-G-A. GRCh37 (hg19) VCF-style: chr1-31437575-G-A.
Other names: c.2269C>T, p.Gln757Ter (NM_014676.3); short protein forms Q757*.
Identifiers: ClinVar variation 1311880 (VCV001311880.2), dbSNP rs2124437841, ClinGen allele CA339565553.

ClinVar aggregate classification (germline): Uncertain significance (1 of 4 stars; one submission).

Submission:

GeneDx
Classification: Uncertain significance. Last evaluated: 2019-09-26. Review status: criteria provided, single submitter. Criteria: GeneDx Variant Classification Process June 2021. Collection method: clinical testing. Allele origin: germline. Affected: yes.
Comment: Not observed in large population cohorts (Lek et al., 2016); Nonsense variant predicted to result in protein truncation or nonsense mediated decay in a gene for which loss-of-function is not a known mechanism of disease; Has not been previously published as pathogenic or benign to our knowledge